The following is an entry in ClinVar:

NM_001374736.1(DST):c.14861G>A (p.Ser4954Asn)

Gene: DST (dystonin; minus strand). Cytogenetic location: 6p12.1.
Variant type: single nucleotide variant.
Coding change: c.14861G>A on transcript NM_001374736.1 (MANE Select); coding-DNA position 14861, G replaced by A.
Protein change: p.Ser4954Asn; replaces serine 4954 with asparagine.
Molecular consequence: missense variant.
Genome position (GRCh38, 1-based): chr6:56,555,620, C>T on the plus strand (G>A on the coding strand, the complement: DST is on the minus strand). VCF-style: chr6-56555620-C-T. GRCh37 (hg19) VCF-style: chr6-56420418-C-T.
Other names: c.8504G>A, p.Ser2835Asn (NM_001144769.5); c.8090G>A, p.Ser2697Asn (NM_001144770.2); c.14861G>A, p.Ser4954Asn (NM_001374722.1); c.14228G>A, p.Ser4743Asn (NM_001374729.1); c.7970G>A, p.Ser2657Asn (NM_001374730.1, NM_001386100.1, NM_183380.4); c.14888G>A, p.Ser4963Asn (NM_001374734.1); c.6992G>A, p.Ser2331Asn (NM_015548.5); short protein forms S2331N, S2657N, S2697N, S2835N, S4743N, S4954N, S4963N.
Identifiers: ClinVar variation 1022343 (VCV001022343.12), dbSNP rs1360966681, ClinGen allele CA364519241.

ClinVar aggregate classification (germline): Uncertain significance (1 of 4 stars; one submission).

Conditions:
Hereditary sensory and autonomic neuropathy type 6. Also called: Neuropathy, hereditary sensory and autonomic, type VI; HSAN VI. Identifiers: Orphanet 314381, MedGen C3539003, MONDO:0013839, OMIM 614653.
Epidermolysis bullosa simplex 3, localized or generalized intermediate, with BP230 deficiency (EBS3). Also called: Epidermolysis bullosa simplex due to BP230 deficiency; Epidermolysis bullosa simplex, autosomal recessive 2. Identifiers: Orphanet 412181, MedGen C3809470, MONDO:0014180, OMIM 615425.

Allele frequency attached by ClinVar (database versions not stated): gnomAD exomes below 0.00001; TOPMed below 0.00001.
gnomAD v4.1: 3 of 1,614,026 alleles (0.00019%); highest among the groups gnomAD compares: African/African-American, 0.0013%; no homozygotes.

Submission:

Labcorp Genetics (formerly Invitae), Labcorp
Classification: Uncertain significance for Epidermolysis bullosa simplex 3, localized or generalized intermediate, with BP230 deficiency; Hereditary sensory and autonomic neuropathy type 6. Last evaluated: 2023-08-17. Review status: criteria provided, single submitter. Criteria: Invitae Variant Classification Sherloc (09022015). Collection method: clinical testing. Allele origin: germline.
Comment: The DST gene has multiple clinically relevant transcripts. This variant occurs in alternate transcript NM_015548.4, and corresponds to NM_001723.5:c.*59897G>A in the primary transcript. In summary, the available evidence is currently insufficient to determine the role of this variant in disease. Therefore, it has been classified as a Variant of Uncertain Significance. Experimental studies and prediction algorithms are not available or were not evaluated, and the functional significance of this variant is currently unknown. This variant has not been reported in the literature in individuals affected with DST-related conditions. This variant is present in population databases (no rsID available, gnomAD 0.007%). This sequence change replaces serine, which is neutral and polar, with asparagine, which is neutral and polar, at codon 2331 of the DST protein (p.Ser2331Asn).